The following is an entry in ClinVar:

NM_000069.3(CACNA1S):c.5550C>G (p.Asn1850Lys)

Gene: CACNA1S (calcium voltage-gated channel subunit alpha1 S; minus strand). Cytogenetic location: 1q32.1.
Variant type: single nucleotide variant.
Coding change: c.5550C>G on transcript NM_000069.3 (MANE Select); coding-DNA position 5550, C replaced by G.
Protein change: p.Asn1850Lys; replaces asparagine 1850 with lysine.
Molecular consequence: missense variant.
Genome position (GRCh38, 1-based): chr1:201,039,903, G>C on the plus strand (C>G on the coding strand, the complement: CACNA1S is on the minus strand). VCF-style: chr1-201039903-G-C. GRCh37 (hg19) VCF-style: chr1-201009031-G-C.
Other names: short protein forms N1850K.
Identifiers: ClinVar variation 3386264 (VCV003386264.1).

ClinVar aggregate classification (germline): Uncertain significance (1 of 4 stars; one submission).

Conditions:
Malignant hyperthermia, susceptibility to, 5 (MHS5). Also called: CACNA1S-Related Malignant Hyperthermia Susceptibility. Identifiers: Orphanet 423, MedGen C1866077, MONDO:0011163, OMIM 601887.

gnomAD v4.1: 6 of 1,613,668 alleles (0.00037%); highest among the groups gnomAD compares: African/African-American, 0.0067%; no homozygotes.

Submission:

All of Us Research Program, National Institutes of Health
Classification: Uncertain significance for Malignant hyperthermia, susceptibility to, 5. Last evaluated: 2024-06-17. Review status: criteria provided, single submitter. Criteria: ACMG Guidelines, 2015. Collection method: clinical testing. Allele origin: germline. Inheritance: Autosomal dominant inheritance. Observed: 1 variant allele, 1 heterozygote.
Comment: This missense variant replaces asparagine with lysine at codon 1850 of the CACNA1S protein. Computational prediction suggests that this variant may not impact protein structure and function. To our knowledge, functional studies have not been reported for this variant. This variant has not been reported in individuals affected with CACNA1S-related disorders in the literature. This variant has been identified in 1/251012 chromosomes in the general population by the Genome Aggregation Database (gnomAD). The available evidence is insufficient to determine the role of this variant in disease conclusively. Therefore, this variant is classified as a Variant of Uncertain Significance.

This study involves interpretation of variants in research participants for the purpose of population health screening. Participant phenotype was not available at the time of variant classification. Additional details can be found in publication PMID: 35346344, PMCID: PMC8962531